The following is an entry in ClinVar:

ClinVar aggregate classification (germline): Uncertain significance (1 of 4 stars; one submission).

Submission:

Clinical Genomics Laboratory, Washington University in St. Louis
Classification: Uncertain significance. Last evaluated: 2025-06-18. Review status: criteria provided, single submitter. Criteria: ACMG Guidelines, 2015. Collection method: clinical testing. Allele origin: germline.
Comment: The COL22A1 c.4390del (p.Leu1464Cysfs*29 ) variant, to our knowledge, has not been reported in the medical literature. This variant is absent from the general population (gnomAD v.2.1.1), indicating it is not a common variant. This variant causes a frameshift by deleting one nucleotide, resulting in a premature termination codon that is predicted to lead to nonsense-mediated decay. Due to limited information, the clinical significance of this variant is uncertain.

NM_152888.3(COL22A1):c.4390del (p.Leu1464fs)

Gene: COL22A1 (collagen type XXII alpha 1 chain; minus strand). Cytogenetic location: 8q24.23.
Variant type: Deletion.
Coding change: c.4390del on transcript NM_152888.3 (MANE Select); coding-DNA position 4390, one base deleted (C; older notation c.4390delC).
Protein change: p.Leu1464fs; shifts the reading frame from leucine 1464.
Molecular consequence: frameshift variant.
Genome position (GRCh38, 1-based): chr8:138,596,946, G deleted on the plus strand (C on the coding strand, the reverse complement: COL22A1 is on the minus strand); the first of 3 consecutive G bases (chr8:138,596,946-138,596,948); deleting any one gives the same sequence. VCF-style (leftmost placement, unchanged base first): chr8-138596945-AG-A. GRCh37 (hg19) VCF-style: chr8-139609188-AG-A.
Other names: short protein forms L1464fs.
Identifiers: ClinVar variation 4279817 (VCV004279817.1).